The following is an entry in ClinVar:

ClinVar aggregate classification (germline): Pathogenic (1 of 4 stars; one submission).

Conditions:
Autosomal recessive nonsyndromic hearing loss 77. Identifiers: Orphanet 90636, MedGen C2746083, MONDO:0013119, OMIM 613079.

gnomAD v4.1: 1 of 1,551,494 alleles (0.000064%); highest among the groups gnomAD compares: Non-Finnish European, 0.000087%; no homozygotes.

Submission:

Myriad Genetics, Inc.
Classification: Pathogenic for Autosomal recessive nonsyndromic hearing loss 77. Last evaluated: 2023-09-03. Review status: criteria provided, single submitter. Criteria: Myriad Autosomal Dominant, Autosomal Recessive and X-Linked Classification Criteria (2023). Collection method: clinical testing. Allele origin: unknown.
Comment: NM_144612.6(LOXHD1):c.1902C>G(Y634*) is expected to be pathogenic in the context of nonsyndromic hearing loss, LOXHD1-related. This variant is predicted to lead to an abnormal or absent protein product due to the creation of a premature termination codon in LOXHD1, a gene where loss-of-function variants are known to be pathogenic. Please note: this variant was assessed in the context of healthy population screening.

NM_001384474.1(LOXHD1):c.1902C>G (p.Tyr634Ter)

Gene: LOXHD1 (lipoxygenase homology PLAT domains 1; minus strand). Cytogenetic location: 18q21.1.
Variant type: single nucleotide variant.
Coding change: c.1902C>G on transcript NM_001384474.1 (MANE Select); coding-DNA position 1902, C replaced by G.
Protein change: p.Tyr634Ter; replaces tyrosine 634 with a stop codon.
Molecular consequence: nonsense.
Genome position (GRCh38, 1-based): chr18:46,577,775, G>C on the plus strand (C>G on the coding strand, the complement: LOXHD1 is on the minus strand). VCF-style: chr18-46577775-G-C. GRCh37 (hg19) VCF-style: chr18-44157738-G-C.
Other names: c.1902C>G, p.Tyr634Ter (NM_144612.7); short protein forms Y634*.
Identifiers: ClinVar variation 5011534 (VCV005011534.1).